The following is an entry in ClinVar:

NM_007194.4(CHEK2):c.475T>G (p.Tyr159Asp)

Gene: CHEK2 (checkpoint kinase 2; minus strand). Cytogenetic location: 22q12.1.
Variant type: single nucleotide variant.
Coding change: c.475T>G on transcript NM_007194.4 (MANE Select); coding-DNA position 475, T replaced by G.
Protein change: p.Tyr159Asp; replaces tyrosine 159 with aspartic acid.
Molecular consequence: missense variant. On other transcripts: 5 prime UTR variant (2), intron variant (1).
Genome position (GRCh38, 1-based): chr22:28,725,094, A>C on the plus strand (T>G on the coding strand, the complement: CHEK2 is on the minus strand). VCF-style: chr22-28725094-A-C. GRCh37 (hg19) VCF-style: chr22-29121082-A-C.
Other names: c.604T>G, p.Tyr202Asp (NM_001005735.3, NM_001438294.1); c.-303T>G (NM_001257387.3); c.-189T>G (NM_001437942.1); c.568T>G, p.Tyr190Asp (NM_001438293.1, NM_001438295.1); c.475T>G, p.Tyr159Asp (NM_145862.3); c.444+149T>G (NM_001349956.3); short protein forms Y202D, Y159D, Y190D.
Identifiers: ClinVar variation 4721210 (VCV004721210.1).

ClinVar aggregate classification (germline): Uncertain significance (1 of 4 stars; one submission).

Conditions:
Familial cancer of breast. Also called: hereditary breast carcinoma; BREAST CANCER, FAMILIAL; Hereditary breast cancer. Identifiers: Orphanet 227535, MedGen C0346153, MONDO:0016419, OMIM 114480. Disease mechanism: loss of function.

Submission:

Labcorp Genetics (formerly Invitae), Labcorp
Classification: Uncertain significance for Familial cancer of breast. Last evaluated: 2025-06-11. Review status: criteria provided, single submitter. Criteria: Invitae Variant Classification Sherloc (09022015). Collection method: clinical testing. Allele origin: germline.
Comment: This sequence change replaces tyrosine, which is neutral and polar, with aspartic acid, which is acidic and polar, at codon 159 of the CHEK2 protein (p.Tyr159Asp). This variant is not present in population databases (gnomAD no frequency). This variant has not been reported in the literature in individuals affected with CHEK2-related conditions. An algorithm developed to predict the effect of missense changes on protein structure and function (PolyPhen-2) suggests that this variant is likely to be disruptive. In summary, the available evidence is currently insufficient to determine the role of this variant in disease. Therefore, it has been classified as a Variant of Uncertain Significance.